The following is an entry in ClinVar:

ClinVar aggregate classification (germline): Uncertain significance (1 of 4 stars; one submission).

Conditions:
Jeune thoracic dystrophy. Also called: Jeune syndrome; Short-rib thoracic dysplasia; Infantile thoracic dystrophy; Thoracic pelvic phalangeal dystrophy; Jeune's syndrome; Chondroectodermal dysplasia-like syndrome. Identifiers: Orphanet 474, MedGen C0265275, MONDO:0018770.

gnomAD v4.1: 2 of 1,588,320 alleles (0.00013%); highest among the groups gnomAD compares: Non-Finnish European, 0.00017%; no homozygotes.

Submission:

Labcorp Genetics (formerly Invitae), Labcorp
Classification: Uncertain significance for Jeune thoracic dystrophy. Last evaluated: 2021-08-03. Review status: criteria provided, single submitter. Criteria: Invitae Variant Classification Sherloc (09022015). Collection method: clinical testing. Allele origin: germline.
Comment: This sequence change replaces aspartic acid with tyrosine at codon 469 of the IFT80 protein (p.Asp469Tyr). The aspartic acid residue is highly conserved and there is a large physicochemical difference between aspartic acid and tyrosine. This variant is not present in population databases (ExAC no frequency). This variant has not been reported in the literature in individuals with IFT80-related conditions. In summary, the available evidence is currently insufficient to determine the role of this variant in disease. Therefore, it has been classified as a Variant of Uncertain Significance. Algorithms developed to predict the effect of missense changes on protein structure and function are either unavailable or do not agree on the potential impact of this missense change (SIFT: "Tolerated"; PolyPhen-2: "Possibly Damaging"; Align-GVGD: "Class C15").

NM_020800.3(IFT80):c.1405G>T (p.Asp469Tyr)

Genes: IFT80 (intraflagellar transport 80; minus strand), TRIM59-IFT80 (TRIM59-IFT80 readthrough (NMD candidate); minus strand). Cytogenetic location: 3q25.33.
Variant type: single nucleotide variant.
Coding change: c.1405G>T on transcript NM_020800.3 (MANE Select); coding-DNA position 1405, G replaced by T.
Protein change: p.Asp469Tyr; replaces aspartic acid 469 with tyrosine.
Molecular consequence: missense variant. On other transcripts: non-coding transcript variant (3).
Genome position (GRCh38, 1-based): chr3:160,282,589, C>A on the plus strand (G>T on the coding strand, the complement: IFT80 is on the minus strand). VCF-style: chr3-160282589-C-A. GRCh37 (hg19) VCF-style: chr3-160000377-C-A.
Other names: c.994G>T, p.Asp332Tyr (NM_001190241.2, NM_001190242.2); short protein forms D469Y, D332Y.
Identifiers: ClinVar variation 1498171 (VCV001498171.8), dbSNP rs1210834952, ClinGen allele CA355192448.
Genomic context (GRCh38, chr3:160,282,589, plus strand): 5'-AGAGATCTCTATTTTTATCAATGAAAGCAATTTTTCTATCATTGGTAAGTCCTTTTTGAT[C>A]CAGAGCAATTTCCAAGATTTCATTCTAAAATTTTTTTTAAATGTAAATACTGGGTTAGTT-3'
Protein context (NP_065851.1, residues 459-479): HKNEILEIAL[Asp469Tyr]QKGLTNDRKI